The following is an entry in ClinVar:

ClinVar aggregate classification (germline): Uncertain significance (1 of 4 stars; one submission).

Conditions:
Idiopathic generalized epilepsy. Also called: EIG; Generalised epilepsy. Identifiers: MedGen C0270850, MONDO:0005579, OMIM 600669.
Hyperaldosteronism, familial, type IV (HALD4). Also called: FH IV; ALDOSTERONISM, PRIMARY, AND HYPERTENSION. Identifiers: Orphanet 642671, MedGen C4310756, MONDO:0014875, OMIM 617027.

Submission:

Labcorp Genetics (formerly Invitae), Labcorp
Classification: Uncertain significance for Idiopathic generalized epilepsy; Hyperaldosteronism, familial, type IV. Last evaluated: 2024-12-05. Review status: criteria provided, single submitter. Criteria: Invitae Variant Classification Sherloc (09022015). Collection method: clinical testing. Allele origin: germline.
Comment: This sequence change replaces isoleucine, which is neutral and non-polar, with serine, which is neutral and polar, at codon 1880 of the CACNA1H protein (p.Ile1880Ser). This variant is not present in population databases (gnomAD no frequency). This variant has not been reported in the literature in individuals affected with CACNA1H-related conditions. Invitae Evidence Modeling of protein sequence and biophysical properties (such as structural, functional, and spatial information, amino acid conservation, physicochemical variation, residue mobility, and thermodynamic stability) indicates that this missense variant is not expected to disrupt CACNA1H protein function with a negative predictive value of 80%. In summary, the available evidence is currently insufficient to determine the role of this variant in disease. Therefore, it has been classified as a Variant of Uncertain Significance.

NM_021098.3(CACNA1H):c.5639T>G (p.Ile1880Ser)

Gene: CACNA1H (calcium voltage-gated channel subunit alpha1 H; plus strand). Cytogenetic location: 16p13.3.
Variant type: single nucleotide variant.
Coding change: c.5639T>G on transcript NM_021098.3 (MANE Select); coding-DNA position 5639, T replaced by G.
Protein change: p.Ile1880Ser; replaces isoleucine 1880 with serine.
Molecular consequence: missense variant.
Genome position (GRCh38, 1-based): chr16:1,218,403, T>G. VCF-style: chr16-1218403-T-G. GRCh37 (hg19) VCF-style: chr16-1268403-T-G.
Other names: c.5621T>G, p.Ile1874Ser (NM_001005407.2); short protein forms I1874S, I1880S.
Identifiers: ClinVar variation 3761770 (VCV003761770.2).
Genomic context (GRCh38, chr16:1,218,403, plus strand): 5'-TGAAGCACCTGGAGGAGAGCAACAAGGAGGCACGGGAGGATGCGGAGCTGGACGCCGAGA[T>G]CGAGCTGGAGATGGCGCAGGGCCCCGGGAGTGCACGCCGGGTGGACGCGGACAGGCCTCC-3'
Protein context (NP_066921.2, residues 1870-1890): AREDAELDAE[Ile1880Ser]ELEMAQGPGS